The following is an entry in ClinVar:

ClinVar aggregate classification (germline): Uncertain significance (1 of 4 stars; one submission).

Submission:

Labcorp Genetics (formerly Invitae), Labcorp
Classification: Uncertain significance. Last evaluated: 2023-06-06. Review status: criteria provided, single submitter. Criteria: Invitae Variant Classification Sherloc (09022015). Collection method: clinical testing. Allele origin: germline.
Comment: In summary, the available evidence is currently insufficient to determine the role of this variant in disease. Therefore, it has been classified as a Variant of Uncertain Significance. This variant has not been reported in the literature in individuals affected with ADNP-related conditions. This variant is not present in population databases (gnomAD no frequency). This sequence change affects codon 544 of the ADNP mRNA. It is a 'silent' change, meaning that it does not change the encoded amino acid sequence of the ADNP protein.

NM_001282531.3(ADNP):c.1632A>G (p.Thr544=)

Gene: ADNP (activity dependent neuroprotector homeobox; minus strand). Cytogenetic location: 20q13.13.
Variant type: single nucleotide variant.
Coding change: c.1632A>G on transcript NM_001282531.3 (MANE Select); coding-DNA position 1632, A replaced by G.
Protein change: p.Thr544=; no amino-acid change (threonine 544 retained).
Molecular consequence: synonymous variant.
Genome position (GRCh38, 1-based): chr20:50,893,082, T>C on the plus strand (A>G on the coding strand, the complement: ADNP is on the minus strand). VCF-style: chr20-50893082-T-C. GRCh37 (hg19) VCF-style: chr20-49509619-T-C.
Other names: c.1632A>G, p.Thr544= (NM_001282532.2, NM_001347511.2, NM_015339.5 and 1 more transcripts).
Identifiers: ClinVar variation 2826847 (VCV002826847.3), dbSNP rs2515583893, ClinGen allele CA511021697.